The following is an entry in ClinVar:

ClinVar aggregate classification (germline): Pathogenic (1 of 4 stars; one submission).

Conditions:
Hereditary cancer-predisposing syndrome. Also called: Neoplastic Syndromes, Hereditary; Tumor predisposition; Hereditary Cancer Syndrome; Hereditary neoplastic syndrome. Identifiers: Orphanet 140162, MedGen C0027672, MeSH D009386, MONDO:0015356.

Submission:

Ambry Genetics
Classification: Pathogenic for Hereditary cancer-predisposing syndrome. Last evaluated: 2024-11-12. Review status: criteria provided, single submitter. Criteria: Ambry Variant Classification Scheme 2023. Collection method: clinical testing. Allele origin: germline.
Comment: The c.2056_2080dup25 pathogenic mutation, located in coding exon 14 of the PTCH1 gene, results from a duplication of TCTGTGCAGCCCGTCACCGTGACAC at nucleotide position 2056, causing a translational frameshift with a predicted alternate stop codon (p.Q694Lfs*52). This variant has been observed in at least one individual with a personal and/or family history that is consistent with PTCH1-associated disease (Ambry internal data). This variant is considered to be rare based on population cohorts in the Genome Aggregation Database (gnomAD). This alteration is expected to result in loss of function by premature protein truncation or nonsense-mediated mRNA decay. As such, this alteration is interpreted as a disease-causing mutation.

NM_000264.5(PTCH1):c.2056_2080dup (p.Gln694fs)

Genes: PTCH1 (patched 1; minus strand), LOC100507346 (uncharacterized LOC100507346; plus strand). Cytogenetic location: 9q22.32.
Variant type: Duplication.
Coding change: c.2056_2080dup on transcript NM_000264.5 (MANE Select); coding-DNA positions 2056 to 2080, 25 bases duplicated (TCTGTGCAGCCCGTCACCGTGACAC).
Protein change: p.Gln694fs; shifts the reading frame from glutamine 694.
Molecular consequence: frameshift variant. On other transcripts: non-coding transcript variant (2).
Genome position (GRCh38, 1-based): chr9:95,468,921-95,468,945, GTGTCACGGTGACGGGCTGCACAGA duplicated on the plus strand (TCTGTGCAGCCCGTCACCGTGACAC on the coding strand, the reverse complement: PTCH1 is on the minus strand); duplicating any 25 consecutive bases within chr9:95,468,921-95,468,946 gives the same sequence; the c. name uses the placement nearest the transcript's 3' end. VCF-style (leftmost placement, unchanged base first): chr9-95468920-T-TGTGTCACGGTGACGGGCTGCACAGA. GRCh37 (hg19) VCF-style: chr9-98231202-T-TGTGTCACGGTGACGGGCTGCACAGA.
Other names: c.2056_2080dupTCTGTGCAGCCCGTCACCGTGACAC (NM_000264.3); c.1858_1882dup, p.Gln628fs (NM_001083602.3); c.2053_2077dup, p.Gln693fs (NM_001083603.3); c.1603_1627dup, p.Gln543fs (NM_001083604.3, NM_001083605.3, NM_001083606.3 and 1 more transcripts); c.1900_1924dup, p.Gln642fs (NM_001354918.2); short protein forms Q693fs, Q694fs, Q642fs, Q543fs, Q628fs.
Identifiers: ClinVar variation 3427310 (VCV003427310.1).
Genomic context (GRCh38, chr9:95,468,920, plus strand): 5'-TGGGAGAGCAGGTCCCTTGTGGAGCTGGTGCTCTCTGGGCTCTGGCAGCTGAGGGTGTCC[T>TGTGTCACGGTGACGGGCTGCACAGA]GTGTCACGGTGACGGGCTGCACAGAGATCTCGGAGCGCGGCTCAGCGGTGGTGTAGTACA-3'